The following is an entry in ClinVar:

NM_005732.4(RAD50):c.2413G>C (p.Val805Leu)

Gene: RAD50 (RAD50 double strand break repair protein; plus strand). Cytogenetic location: 5q31.1.
Variant type: single nucleotide variant.
Coding change: c.2413G>C on transcript NM_005732.4 (MANE Select); coding-DNA position 2413, G replaced by C.
Protein change: p.Val805Leu; replaces valine 805 with leucine.
Molecular consequence: missense variant.
Genome position (GRCh38, 1-based): chr5:132,603,935, G>C. VCF-style: chr5-132603935-G-C. GRCh37 (hg19) VCF-style: chr5-131939627-G-C.
Other names: short protein forms V805L.
Identifiers: ClinVar variation 527351 (VCV000527351.7), dbSNP rs763684167, ClinGen allele CA360955357.

ClinVar aggregate classification (germline): Uncertain significance (1 of 4 stars; one submission).

Conditions:
Hereditary cancer-predisposing syndrome. Also called: Neoplastic Syndromes, Hereditary; Tumor predisposition; Hereditary Cancer Syndrome; Hereditary neoplastic syndrome. Identifiers: Orphanet 140162, MedGen C0027672, MeSH D009386, MONDO:0015356.

Submission:

Labcorp Genetics (formerly Invitae), Labcorp
Classification: Uncertain significance for Hereditary cancer-predisposing syndrome. Last evaluated: 2023-08-04. Review status: criteria provided, single submitter. Criteria: Invitae Variant Classification Sherloc (09022015). Collection method: clinical testing. Allele origin: germline.
Comment: This sequence change replaces valine, which is neutral and non-polar, with leucine, which is neutral and non-polar, at codon 805 of the RAD50 protein (p.Val805Leu). This variant is not present in population databases (gnomAD no frequency). This variant has not been reported in the literature in individuals affected with RAD50-related conditions. ClinVar contains an entry for this variant (Variation ID: 527351). Advanced modeling of protein sequence and biophysical properties (such as structural, functional, and spatial information, amino acid conservation, physicochemical variation, residue mobility, and thermodynamic stability) performed at Invitae indicates that this missense variant is not expected to disrupt RAD50 protein function. In summary, the available evidence is currently insufficient to determine the role of this variant in disease. Therefore, it has been classified as a Variant of Uncertain Significance.